The following is an entry in ClinVar:

ClinVar aggregate classification (germline): Uncertain significance (1 of 4 stars; one submission).

Conditions:
Menkes kinky-hair syndrome (MNK). Also called: Copper transport disease; Menkes Disease; Classic Menkes Disease. Identifiers: Orphanet 565, MedGen C0022716, MONDO:0010651, OMIM 309400.
Cutis laxa, X-linked (OHS). Also called: EDS IX; Occipital horn syndrome. Identifiers: Orphanet 198, MedGen C0268353, MONDO:0010572, OMIM 304150.
X-linked distal spinal muscular atrophy type 3. Also called: ATP7A-Related Distal Motor Neuropathy; SPINAL MUSCULAR ATROPHY, DISTAL, X-LINKED RECESSIVE; NEURONOPATHY, DISTAL HEREDITARY MOTOR, X-LINKED; NEUROPATHY, DISTAL HEREDITARY MOTOR, X-LINKED. Identifiers: Orphanet 139557, MedGen C1845359, MONDO:0010338, OMIM 300489.

Submission:

Labcorp Genetics (formerly Invitae), Labcorp
Classification: Uncertain significance for X-linked distal spinal muscular atrophy type 3; Cutis laxa, X-linked; Menkes kinky-hair syndrome. Last evaluated: 2023-07-03. Review status: criteria provided, single submitter. Criteria: Invitae Variant Classification Sherloc (09022015). Collection method: clinical testing. Allele origin: germline.
Comment: Advanced modeling of protein sequence and biophysical properties (such as structural, functional, and spatial information, amino acid conservation, physicochemical variation, residue mobility, and thermodynamic stability) performed at Invitae indicates that this missense variant is not expected to disrupt ATP7A protein function. This variant has not been reported in the literature in individuals affected with ATP7A-related conditions. This variant is not present in population databases (gnomAD no frequency). This sequence change replaces threonine, which is neutral and polar, with serine, which is neutral and polar, at codon 601 of the ATP7A protein (p.Thr601Ser). In summary, the available evidence is currently insufficient to determine the role of this variant in disease. Therefore, it has been classified as a Variant of Uncertain Significance.

NM_000052.7(ATP7A):c.1802C>G (p.Thr601Ser)

Gene: ATP7A (ATPase copper transporting alpha; plus strand). Cytogenetic location: Xq21.1.
Variant type: single nucleotide variant.
Coding change: c.1802C>G on transcript NM_000052.7 (MANE Select); coding-DNA position 1802, C replaced by G.
Protein change: p.Thr601Ser; replaces threonine 601 with serine.
Molecular consequence: missense variant.
Genome position (GRCh38, 1-based): chrX:78,009,196, C>G. VCF-style: chrX-78009196-C-G. GRCh37 (hg19) VCF-style: chrX-77264693-C-G.
Other names: c.1802C>G, p.Thr601Ser (NM_001282224.2); short protein forms T601S.
Identifiers: ClinVar variation 2947905 (VCV002947905.3), dbSNP rs371777895, ClinGen allele CA413597228.